The following is an entry in ClinVar:

NM_020232.5(PSMG2):c.38C>G (p.Ala13Gly)

Gene: PSMG2 (proteasome assembly chaperone 2; plus strand). Cytogenetic location: 18p11.21.
Variant type: single nucleotide variant.
Coding change: c.38C>G on transcript NM_020232.5 (MANE Select); coding-DNA position 38, C replaced by G.
Protein change: p.Ala13Gly; replaces alanine 13 with glycine.
Molecular consequence: missense variant. On other transcripts: intron variant (1).
Genome position (GRCh38, 1-based): chr18:12,703,145, C>G. VCF-style: chr18-12703145-C-G. GRCh37 (hg19) VCF-style: chr18-12703144-C-G.
Other names: c.-36-3405C>G (NM_147163.2); short protein forms A13G.
Identifiers: ClinVar variation 2797263 (VCV002797263.3), dbSNP rs776521420, ClinGen allele CA401964464.

ClinVar aggregate classification (germline): Uncertain significance (1 of 4 stars; one submission).

gnomAD v4.1: 2 of 1,611,666 alleles (0.00012%); highest among the groups gnomAD compares: Non-Finnish European, 0.00017%; no homozygotes.

Submission:

Labcorp Genetics (formerly Invitae), Labcorp
Classification: Uncertain significance. Last evaluated: 2022-12-03. Review status: criteria provided, single submitter. Criteria: Invitae Variant Classification Sherloc (09022015). Collection method: clinical testing. Allele origin: germline.
Comment: In summary, the available evidence is currently insufficient to determine the role of this variant in disease. Therefore, it has been classified as a Variant of Uncertain Significance. Algorithms developed to predict the effect of missense changes on protein structure and function (SIFT, PolyPhen-2, Align-GVGD) all suggest that this variant is likely to be tolerated. This variant has not been reported in the literature in individuals affected with PSMG2-related conditions. This variant is not present in population databases (gnomAD no frequency). This sequence change replaces alanine, which is neutral and non-polar, with glycine, which is neutral and non-polar, at codon 13 of the PSMG2 protein (p.Ala13Gly).